The following is an entry in ClinVar:

NM_198578.4(LRRK2):c.3560G>A (p.Cys1187Tyr)

Gene: LRRK2 (leucine rich repeat kinase 2; plus strand). Cytogenetic location: 12q12.
Variant type: single nucleotide variant.
Coding change: c.3560G>A on transcript NM_198578.4 (MANE Select); coding-DNA position 3560, G replaced by A.
Protein change: p.Cys1187Tyr; replaces cysteine 1187 with tyrosine.
Molecular consequence: missense variant.
Genome position (GRCh38, 1-based): chr12:40,302,852, G>A. VCF-style: chr12-40302852-G-A. GRCh37 (hg19) VCF-style: chr12-40696654-G-A.
Other names: short protein forms C1187Y.
Identifiers: ClinVar variation 3540687 (VCV003540687.1).
Genomic context (GRCh38, chr12:40,302,852, plus strand): 5'-CTATGCCTTTCTTGCCTCCTTCTATGACAATCCTAAAATTATCTCAGAACAAATTTTCCT[G>A]TATTCCAGAAGCAATTTTAAATCTTCCACAGTAAGTTTATTGTTATTTTAATTTTAAAAG-3'
Protein context (NP_940980.4, residues 1177-1197): ILKLSQNKFS[Cys1187Tyr]IPEAILNLPH

ClinVar aggregate classification (germline): Uncertain significance (1 of 4 stars; one submission).

Conditions:
Inborn genetic diseases. Identifiers: MedGen C0950123, MeSH D030342.

gnomAD v4.1: 1 of 1,608,692 alleles (0.000062%); highest among the groups gnomAD compares: Non-Finnish European, 0.000085%; no homozygotes.

Submission:

Ambry Genetics
Classification: Uncertain significance for Inborn genetic diseases. Last evaluated: 2024-09-20. Review status: criteria provided, single submitter. Criteria: Ambry Variant Classification Scheme 2023. Collection method: clinical testing. Allele origin: germline.
Comment: The p.C1187Y variant (also known as c.3560G>A), located in coding exon 26 of the LRRK2 gene, results from a G to A substitution at nucleotide position 3560. The cysteine at codon 1187 is replaced by tyrosine, an amino acid with highly dissimilar properties. This amino acid position is conserved. In addition, this alteration is predicted to be tolerated by in silico analysis. Based on the available evidence, the clinical significance of this variant remains unclear.